The following is an entry in ClinVar:

ClinVar aggregate classification (germline): Pathogenic/Likely pathogenic. Review status: criteria provided, multiple submitters, no conflicts (2 of 4 stars). 2 submissions from 2 submitters: Pathogenic (1); Likely pathogenic (1). Last evaluated 2020-04-06.

Conditions:
Pulmonary fibrosis and/or bone marrow failure, Telomere-related, 4. Also called: PULMONARY FIBROSIS AND/OR BONE MARROW FAILURE SYNDROME, TELOMERE-RELATED, 4. Identifiers: Orphanet 2032, MedGen C4225347, MONDO:0014612, OMIM 616371.

Allele frequency attached by ClinVar (database versions not stated): gnomAD exomes below 0.00001.
gnomAD v4.1: 1 of 1,611,028 alleles (0.000062%); highest among the groups gnomAD compares: East Asian, 0.0022%; no homozygotes.

Submissions (2):

Godley laboratory, The University of Chicago
Classification: Likely pathogenic for Pulmonary fibrosis and/or bone marrow failure, Telomere-related, 4. Last evaluated: 2020-04-06. Review status: criteria provided, single submitter. Criteria: ACMG Guidelines, 2015. Collection method: clinical testing. Allele origin: germline. Inheritance: Autosomal dominant inheritance. Affected: yes. Observed: 1 heterozygote.
Comment: Telomere length in lymphocytes were at the 10th percentile.

Genetic Services Laboratory, University of Chicago
Classification: Pathogenic. Last evaluated: 2018-03-26. Review status: criteria provided, single submitter. Criteria: ACMG Guidelines, 2015. Collection method: clinical testing. Allele origin: germline. Affected: yes.

NM_002582.4(PARN):c.1006-2A>G

Gene: PARN (poly(A)-specific ribonuclease; minus strand). Cytogenetic location: 16p13.12.
Variant type: single nucleotide variant.
Coding change: c.1006-2A>G on transcript NM_002582.4 (MANE Select); the canonical splice acceptor site of the intron before coding-DNA position 1006, A replaced by G.
Molecular consequence: splice acceptor variant.
Genome position (GRCh38, 1-based): chr16:14,584,424, T>C on the plus strand (A>G on the coding strand, the complement: PARN is on the minus strand). VCF-style: chr16-14584424-T-C. GRCh37 (hg19) VCF-style: chr16-14678281-T-C.
Other names: c.823-2A>G (NM_001134477.3); c.868-2A>G (NM_001242992.2).
Identifiers: ClinVar variation 870491 (VCV000870491.7), dbSNP rs1469272825, ClinGen allele CA394803085.